The following is an entry in ClinVar:

NM_018706.7(DHTKD1):c.2252_2266del (p.Arg751_Arg755del)

Gene: DHTKD1 (dehydrogenase E1 and transketolase domain containing 1; plus strand). Cytogenetic location: 10p14.
Variant type: Deletion.
Coding change: c.2252_2266del on transcript NM_018706.7 (MANE Select); coding-DNA positions 2252 to 2266, 15 bases deleted (GACAGATGGTCCGGA).
Protein change: p.Arg751_Arg755del.
Molecular consequence: inframe deletion.
Genome position (GRCh38, 1-based): chr10:12,112,997-12,113,011, GACAGATGGTCCGGA deleted; deleting any 15 consecutive bases within chr10:12,112,994-12,113,011 gives the same sequence; the c. name uses the placement nearest the transcript's 3' end. VCF-style (leftmost placement, unchanged base first): chr10-12112993-AGGAGACAGATGGTCC-A. GRCh37 (hg19) VCF-style: chr10-12154992-AGGAGACAGATGGTCC-A.
Identifiers: ClinVar variation 948887 (VCV000948887.10), dbSNP rs1833358229, ClinGen allele CA1139661384.

ClinVar aggregate classification (germline): Uncertain significance (1 of 4 stars; one submission).

Conditions:
2-aminoadipic 2-oxoadipic aciduria (AAKAD). Also called: Aminoadipic aciduria; ALPHA-AMINOADIPIC AND ALPHA-KETOADIPIC ACIDURIA. Identifiers: Orphanet 79154, MedGen C1859817, MONDO:0008774, OMIM 204750.

Submission:

Labcorp Genetics (formerly Invitae), Labcorp
Classification: Uncertain significance for 2-aminoadipic 2-oxoadipic aciduria. Last evaluated: 2019-04-11. Review status: criteria provided, single submitter. Criteria: Invitae Variant Classification Sherloc (09022015). Collection method: clinical testing. Allele origin: germline.
Comment: This variant, c.2252_2266del, results in the deletion of 5 amino acid(s) of the DHTKD1 protein (p.Arg751_Arg755del), but otherwise preserves the integrity of the reading frame. This variant is not present in population databases (ExAC no frequency). This variant has not been reported in the literature in individuals with DHTKD1-related conditions. Experimental studies and prediction algorithms are not available for this variant, and the functional significance of the affected amino acid(s) is currently unknown. In summary, the available evidence is currently insufficient to determine the role of this variant in disease. Therefore, it has been classified as a Variant of Uncertain Significance.